The following is an entry in ClinVar:

NM_001111.5(ADAR):c.915C>G (p.Asp305Glu)

Gene: ADAR (adenosine deaminase RNA specific; minus strand). Cytogenetic location: 1q21.3.
Variant type: single nucleotide variant.
Coding change: c.915C>G on transcript NM_001111.5 (MANE Select); coding-DNA position 915, C replaced by G.
Protein change: p.Asp305Glu; replaces aspartic acid 305 with glutamic acid.
Molecular consequence: missense variant.
Genome position (GRCh38, 1-based): chr1:154,601,727, G>C on the plus strand (C>G on the coding strand, the complement: ADAR is on the minus strand). VCF-style: chr1-154601727-G-C. GRCh37 (hg19) VCF-style: chr1-154574203-G-C.
Other names: c.30C>G, p.Asp10Glu (NM_001025107.3, NM_001193495.2, NM_001365046.1 and 3 more transcripts); c.942C>G, p.Asp314Glu (NM_001365045.1); c.915C>G, p.Asp305Glu (NM_015840.4, NM_015841.4); short protein forms D305E, D314E, D10E.
Identifiers: ClinVar variation 2089303 (VCV002089303.4), dbSNP rs1697893763, ClinGen allele CA342599322.

ClinVar aggregate classification (germline): Uncertain significance (1 of 4 stars; one submission).

Conditions:
Symmetrical dyschromatosis of extremities (DSH). Also called: RETICULATE ACROPIGMENTATION OF DOHI; SYMMETRIC DYSCHROMATOSIS OF THE EXTREMITIES; Dyschromatosis symmetrica hereditaria; DYSCHROMATOSIS SYMMETRICA HEREDITARIA 1. Identifiers: Orphanet 41, MedGen C0406775, MONDO:0007483, OMIM 127400.
Aicardi-Goutieres syndrome 6 (AGS6). Identifiers: Orphanet 51, MedGen C3539013, MONDO:0014007, OMIM 615010.

Allele frequency attached by ClinVar (database versions not stated): gnomAD exomes below 0.00001; TOPMed below 0.00001.
gnomAD v4.1: 2 of 1,614,214 alleles (0.00012%); highest among the groups gnomAD compares: Non-Finnish European, 0.00017%; no homozygotes.

Submission:

Labcorp Genetics (formerly Invitae), Labcorp
Classification: Uncertain significance for Aicardi-Goutieres syndrome 6; Symmetrical dyschromatosis of extremities. Last evaluated: 2022-01-23. Review status: criteria provided, single submitter. Criteria: Invitae Variant Classification Sherloc (09022015). Collection method: clinical testing. Allele origin: germline.
Comment: In summary, the available evidence is currently insufficient to determine the role of this variant in disease. Therefore, it has been classified as a Variant of Uncertain Significance. Algorithms developed to predict the effect of missense changes on protein structure and function output the following: SIFT: "Deleterious"; PolyPhen-2: "Benign"; Align-GVGD: "Class C0". The glutamic acid amino acid residue is found in multiple mammalian species, which suggests that this missense change does not adversely affect protein function. This variant has not been reported in the literature in individuals affected with ADAR-related conditions. This variant is not present in population databases (gnomAD no frequency). This sequence change replaces aspartic acid, which is acidic and polar, with glutamic acid, which is acidic and polar, at codon 305 of the ADAR protein (p.Asp305Glu).